The following is an entry in ClinVar:

NM_022124.6(CDH23):c.6712+2T>C

Gene: CDH23 (cadherin related 23; plus strand). Cytogenetic location: 10q22.1.
Variant type: single nucleotide variant.
Coding change: c.6712+2T>C on transcript NM_022124.6 (MANE Select); the canonical splice donor site of the intron after coding-DNA position 6712, T replaced by C.
Molecular consequence: splice donor variant.
Genome position (GRCh38, 1-based): chr10:71,793,642, T>C. VCF-style: chr10-71793642-T-C. GRCh37 (hg19) VCF-style: chr10-73553399-T-C.
Identifiers: ClinVar variation 2025918 (VCV002025918.4), dbSNP rs2494385919, ClinGen allele CA377155637.
Genomic context (GRCh38, chr10:71,793,642, plus strand): 5'-CGACACTGATCGCCTGGTGCCCAACCAGGAGGACGCCTTTGCTGTGAATATCAACACAGG[T>C]ACAAGGGCCTGCACCCCTCCCACCTCCCTCCCAGCTCCCAGTCCTGTCTCCTCGCTCCCT-3'

ClinVar aggregate classification (germline): Likely pathogenic (1 of 4 stars; one submission).

Submission:

Labcorp Genetics (formerly Invitae), Labcorp
Classification: Likely pathogenic. Last evaluated: 2022-09-30. Review status: criteria provided, single submitter. Criteria: Invitae Variant Classification Sherloc (09022015). Collection method: clinical testing. Allele origin: germline.
Comment: In summary, the currently available evidence indicates that the variant is pathogenic, but additional data are needed to prove that conclusively. Therefore, this variant has been classified as Likely Pathogenic. Algorithms developed to predict the effect of sequence changes on RNA splicing suggest that this variant may disrupt the consensus splice site. This variant has not been reported in the literature in individuals affected with CDH23-related conditions. This variant is not present in population databases (gnomAD no frequency). This sequence change affects a donor splice site in intron 48 of the CDH23 gene. It is expected to disrupt RNA splicing. Variants that disrupt the donor or acceptor splice site typically lead to a loss of protein function (PMID: 16199547), and loss-of-function variants in CDH23 are known to be pathogenic (PMID: 11138009, 21940737).

Literature cited by the submitters: PubMed 16199547; PubMed 11138009; PubMed 21940737.